The following is an entry in ClinVar:

ClinVar aggregate classification (germline): Uncertain significance. Review status: criteria provided, multiple submitters, no conflicts (2 of 4 stars). 2 submissions from 2 submitters: Uncertain significance (2). Last evaluated 2026-01-06.

Conditions:
Dilated cardiomyopathy 1CC (CMD1CC). Identifiers: Orphanet 154, MedGen C2751084, MONDO:0013147, OMIM 613122.
Hypertrophic cardiomyopathy 20. Identifiers: MedGen C3151267, MONDO:0013477, OMIM 613876.
Cardiovascular phenotype. Identifiers: MedGen CN230736.

Submissions (2):

Ambry Genetics
Classification: Uncertain significance for Cardiovascular phenotype. Last evaluated: 2026-01-06. Review status: criteria provided, single submitter. Criteria: Ambry Variant Classification Scheme 2023. Collection method: clinical testing. Allele origin: germline.
Comment: The c.586_591delCGTGAA variant (also known as p.R196_E197del) is located in coding exon 6 of the NEXN gene. This variant results from an in-frame CGTGAA deletion at nucleotide positions 586 to 591. This results in the in-frame deletion of a at codon 196. This amino acid region is not well conserved in available vertebrate species. In addition, the in silico prediction for this variant is inconclusive (Choi Y et al. PLoS ONE. 2012; 7(10):e46688). Based on the available evidence, the clinical significance of this variant remains unclear.

Labcorp Genetics (formerly Invitae), Labcorp
Classification: Uncertain significance for Dilated cardiomyopathy 1CC; Hypertrophic cardiomyopathy 20. Last evaluated: 2022-03-14. Review status: criteria provided, single submitter. Criteria: Invitae Variant Classification Sherloc (09022015). Collection method: clinical testing. Allele origin: germline.
Comment: This variant, c.586_591del, results in the deletion of 2 amino acid(s) of the NEXN protein (p.Arg196_Glu197del), but otherwise preserves the integrity of the reading frame. This variant is not present in population databases (gnomAD no frequency). This variant has not been reported in the literature in individuals affected with NEXN-related conditions. Experimental studies and prediction algorithms are not available or were not evaluated, and the functional significance of this variant is currently unknown. In summary, the available evidence is currently insufficient to determine the role of this variant in disease. Therefore, it has been classified as a Variant of Uncertain Significance.

NM_144573.4(NEXN):c.586_591del (p.Arg196_Glu197del)

Gene: NEXN (nexilin F-actin binding protein; plus strand). Cytogenetic location: 1p31.1.
Variant type: Deletion.
Coding change: c.586_591del on transcript NM_144573.4 (MANE Select); coding-DNA positions 586 to 591, 6 bases deleted (CGTGAA; older notation c.586_591delCGTGAA).
Protein change: p.Arg196_Glu197del.
Molecular consequence: inframe deletion.
Genome position (GRCh38, 1-based): chr1:77,926,510-77,926,515, CGTGAA deleted; deleting any 6 consecutive bases within chr1:77,926,507-77,926,515 gives the same sequence; the c. name uses the placement nearest the transcript's 3' end. VCF-style (leftmost placement, unchanged base first): chr1-77926506-AGAACGT-A. GRCh37 (hg19) VCF-style: chr1-78392191-AGAACGT-A.
Other names: c.394_399del, p.Arg132_Glu133del (NM_001172309.2).
Identifiers: ClinVar variation 2042762 (VCV002042762.5), dbSNP rs766654578, ClinGen allele CA24678318.